The following is an entry in ClinVar:

NM_006164.5(NFE2L2):c.1294G>C (p.Val432Leu)

Gene: NFE2L2 (NFE2 like bZIP transcription factor 2; minus strand). Cytogenetic location: 2q31.2.
Variant type: single nucleotide variant.
Coding change: c.1294G>C on transcript NM_006164.5 (MANE Select); coding-DNA position 1294, G replaced by C.
Protein change: p.Val432Leu; replaces valine 432 with leucine.
Molecular consequence: missense variant.
Genome position (GRCh38, 1-based): chr2:177,231,309, C>G on the plus strand (G>C on the coding strand, the complement: NFE2L2 is on the minus strand). VCF-style: chr2-177231309-C-G. GRCh37 (hg19) VCF-style: chr2-178096037-C-G.
Other names: c.1246G>C, p.Val416Leu (NM_001145412.3, NM_001313900.1, NM_001313901.1); c.1225G>C, p.Val409Leu (NM_001145413.3); c.1204G>C, p.Val402Leu (NM_001313902.2); c.1075G>C, p.Val359Leu (NM_001313903.2); c.994G>C, p.Val332Leu (NM_001313904.1); short protein forms V416L, V409L, V332L, V359L, V402L, V432L.
Identifiers: ClinVar variation 2960362 (VCV002960362.3), dbSNP rs748491229, ClinGen allele CA1979711.

ClinVar aggregate classification (germline): Uncertain significance (1 of 4 stars; one submission).

gnomAD v4.1: 5 of 1,614,146 alleles (0.00031%); highest among the groups gnomAD compares: African/African-American, 0.0053%; no homozygotes.

Submission:

Labcorp Genetics (formerly Invitae), Labcorp
Classification: Uncertain significance. Last evaluated: 2023-04-18. Review status: criteria provided, single submitter. Criteria: Invitae Variant Classification Sherloc (09022015). Collection method: clinical testing. Allele origin: germline.
Comment: In summary, the available evidence is currently insufficient to determine the role of this variant in disease. Therefore, it has been classified as a Variant of Uncertain Significance. Advanced modeling of protein sequence and biophysical properties (such as structural, functional, and spatial information, amino acid conservation, physicochemical variation, residue mobility, and thermodynamic stability) performed at Invitae indicates that this missense variant is not expected to disrupt NFE2L2 protein function. This variant has not been reported in the literature in individuals affected with NFE2L2-related conditions. This variant is present in population databases (rs748491229, gnomAD 0.007%). This sequence change replaces valine, which is neutral and non-polar, with leucine, which is neutral and non-polar, at codon 432 of the NFE2L2 protein (p.Val432Leu).